The following is an entry in ClinVar:

NM_213599.3(ANO5):c.1983T>A (p.Leu661=)

Gene: ANO5 (anoctamin 5; plus strand). Cytogenetic location: 11p14.3.
Variant type: single nucleotide variant.
Coding change: c.1983T>A on transcript NM_213599.3 (MANE Select); coding-DNA position 1983, T replaced by A.
Protein change: p.Leu661=; no amino-acid change (leucine 661 retained).
Molecular consequence: synonymous variant.
Genome position (GRCh38, 1-based): chr11:22,270,396, T>A. VCF-style: chr11-22270396-T-A. GRCh37 (hg19) VCF-style: chr11-22291942-T-A.
Other names: p.Leu661=; c.1980T>A, p.Leu660= (NM_001142649.2); c.1983T>A (NM_213599.2).
Identifiers: ClinVar variation 1335064 (VCV001335064.39), dbSNP rs944652752, ClinGen allele CA218774196.

ClinVar aggregate classification (germline): Likely benign. Review status: criteria provided, multiple submitters, no conflicts (2 of 4 stars). 3 submissions from 3 submitters: Likely benign (3). Last evaluated 2025-05-13.

Conditions:
Gnathodiaphyseal dysplasia (GDD). Also called: GNATHODIAPHYSEAL SCLEROSIS; OSTEOGENESIS IMPERFECTA WITH UNUSUAL SKELETAL LESIONS. Identifiers: Orphanet 53697, MedGen C1833736, MONDO:0008151, OMIM 166260.
Autosomal recessive limb-girdle muscular dystrophy type 2L (LGMDR12). Also called: MUSCULAR DYSTROPHY, LIMB-GIRDLE, AUTOSOMAL RECESSIVE 12; Limb-Girdle Muscular Dystrophy R12 Anoctamin-5-Related (LGMD-R12); Limb-girdle muscular dystrophy, type 2L. Identifiers: Orphanet 206549, MedGen C1969785, MONDO:0012652, OMIM 611307.

Allele frequency attached by ClinVar (database versions not stated): gnomAD 0.00001; gnomAD exomes 0.00001 and 0.00004; TOPMed 0.00001.
gnomAD v4.1: 52 of 1,614,048 alleles (0.0032%); highest among the groups gnomAD compares: Non-Finnish European, 0.0044%; no homozygotes.

Submissions (3):

Mayo Clinic Laboratories, Mayo Clinic
Classification: Likely benign. Last evaluated: 2025-05-13. Review status: criteria provided, single submitter. Criteria: ACMG Guidelines, 2015. Collection method: clinical testing. Allele origin: germline. Observed: 1 variant allele.
Comment: BP4, BP7

Labcorp Genetics (formerly Invitae), Labcorp
Classification: Likely benign for Autosomal recessive limb-girdle muscular dystrophy type 2L; Gnathodiaphyseal dysplasia. Last evaluated: 2023-09-17. Review status: criteria provided, single submitter. Criteria: Invitae Variant Classification Sherloc (09022015). Collection method: clinical testing. Allele origin: germline.

CeGaT Center for Human Genetics Tuebingen
Classification: Likely benign. Last evaluated: 2021-12-01. Review status: criteria provided, single submitter. Criteria: CeGaT Center For Human Genetics Tuebingen Variant Classification Criteria Version 2. Collection method: clinical testing. Allele origin: germline. Affected: yes. Observed: 1 variant allele.